The following is an entry in ClinVar:

ClinVar aggregate classification (germline): Benign/Likely benign. Review status: criteria provided, multiple submitters, no conflicts (2 of 4 stars). 10 submissions from 10 submitters: Benign (4); Likely benign (4). 2 of the submissions do not count toward it. Last evaluated 2026-01-18.

Conditions:
Joubert syndrome. Also called: Familial aplasia of the vermis; JOUBERT-BOLTSHAUSER SYNDROME. Identifiers: Orphanet 475, MedGen C5979921, MONDO:0018772.
Orofaciodigital syndrome I (OFD1). Also called: Oral-Facial-Digital Syndrome Type I; OFDS I; Papillon-Leage and Psaume Syndrome. Identifiers: Orphanet 2750, MedGen C1510460, MONDO:0010702, OMIM 311200.
Primary ciliary dyskinesia. Also called: Ciliary dyskinesia. Identifiers: Orphanet 244, MedGen C0008780, MONDO:0016575, HP:0012265.

Allele frequency attached by ClinVar (database versions not stated): gnomAD exomes 0.00023 and 0.00065; ExAC 0.00062; gnomAD 0.00170 and 0.00187; 1000 Genomes Project 0.00185; 1000 Genomes Project 30x 0.00187; ESP Exome Variant Server 0.00199; TOPMed 0.00249.
gnomAD v4.1: 450 of 1,165,352 alleles (0.039%); highest among the groups gnomAD compares: African/African-American, 0.63%; 1 homozygote.

Submissions (10):

Labcorp Genetics (formerly Invitae), Labcorp
Classification: Benign for Orofaciodigital syndrome I; Joubert syndrome. Last evaluated: 2026-01-18. Review status: criteria provided, single submitter. Criteria: Invitae Variant Classification Sherloc (09022015). Collection method: clinical testing. Allele origin: germline.

Mayo Clinic Laboratories, Mayo Clinic
Classification: Likely benign. Last evaluated: 2025-05-20. Review status: criteria provided, single submitter. Criteria: ACMG Guidelines, 2015. Collection method: clinical testing. Allele origin: germline. Observed: 3 variant alleles.
Comment: BS1, BP4_moderate

Blueprint Genetics
Classification: Likely benign. Last evaluated: 2024-11-11. Review status: criteria provided, single submitter. Criteria: ACMG Guidelines, 2015. Collection method: clinical testing. Allele origin: germline.

GeneDx
Classification: Likely benign. Last evaluated: 2019-12-11. Review status: criteria provided, single submitter. Criteria: GeneDx Variant Classification Process June 2021. Collection method: clinical testing. Allele origin: germline. Affected: yes.

Athena Diagnostics
Classification: Benign. Last evaluated: 2018-10-18. Review status: criteria provided, single submitter. Criteria: Athena Diagnostics Criteria. Collection method: clinical testing. Allele origin: germline.

Ambry Genetics
Classification: Benign for Primary ciliary dyskinesia. Last evaluated: 2018-01-24. Review status: criteria provided, single submitter. Criteria: Ambry Variant Classification Scheme 2023. Collection method: clinical testing. Allele origin: germline.

Genetic Services Laboratory, University of Chicago
Classification: Benign. Last evaluated: 2017-08-07. Review status: criteria provided, single submitter. Criteria: ACMG Guidelines, 2015. Collection method: clinical testing. Allele origin: germline. Affected: no.

Breakthrough Genomics
Classification: Likely benign. Review status: criteria provided, single submitter. Criteria: ACMG Guidelines, 2015. Collection method: not provided. Allele origin: germline. Inheritance: X-linked inheritance. Affected: yes.

Clinical Genetics DNA and cytogenetics Diagnostics Lab, Erasmus MC, Erasmus Medical Center
Classification: Likely benign. Review status: no assertion criteria provided. Collection method: clinical testing. Allele origin: germline. Affected: yes. Study: VKGL Data-share Consensus. Not counted in ClinVar's aggregate classification.

Genome Diagnostics Laboratory, University Medical Center Utrecht
Classification: Benign. Review status: no assertion criteria provided. Collection method: clinical testing. Allele origin: germline. Affected: yes. Study: VKGL Data-share Consensus. Not counted in ClinVar's aggregate classification.

Literature cited by the submitters: PubMed 31308072 (cited by Mayo Clinic Laboratories, Mayo Clinic).

NM_003611.3(OFD1):c.2033C>G (p.Ala678Gly)

Gene: OFD1 (OFD1 centriole and centriolar satellite protein; plus strand). Cytogenetic location: Xp22.2.
Variant type: single nucleotide variant.
Coding change: c.2033C>G on transcript NM_003611.3 (MANE Select); coding-DNA position 2033, C replaced by G.
Protein change: p.Ala678Gly; replaces alanine 678 with glycine.
Molecular consequence: missense variant.
Genome position (GRCh38, 1-based): chrX:13,760,493, C>G. VCF-style: chrX-13760493-C-G. GRCh37 (hg19) VCF-style: chrX-13778612-C-G.
Other names: p.Ala678Gly; c.1913C>G, p.Ala638Gly (NM_001330209.2); c.1613C>G, p.Ala538Gly (NM_001330210.2); short protein forms A678G, A638G, A538G.
Identifiers: ClinVar variation 159467 (VCV000159467.28), dbSNP rs143954823, ClinGen allele CA233304.